The following is an entry in ClinVar:

NM_004304.5(ALK):c.502T>C (p.Phe168Leu)

Gene: ALK (ALK receptor tyrosine kinase; minus strand). Cytogenetic location: 2p23.1.
Variant type: single nucleotide variant.
Coding change: c.502T>C on transcript NM_004304.5 (MANE Select); coding-DNA position 502, T replaced by C.
Protein change: p.Phe168Leu; replaces phenylalanine 168 with leucine.
Molecular consequence: missense variant.
Genome position (GRCh38, 1-based): chr2:29,920,158, A>G on the plus strand (T>C on the coding strand, the complement: ALK is on the minus strand). VCF-style: chr2-29920158-A-G. GRCh37 (hg19) VCF-style: chr2-30143024-A-G.
Other names: short protein forms F168L.
Identifiers: ClinVar variation 662369 (VCV000662369.11), dbSNP rs1374532256, ClinGen allele CA346589923.

ClinVar aggregate classification (germline): Uncertain significance. Review status: criteria provided, multiple submitters, no conflicts (2 of 4 stars). 2 submissions from 2 submitters: Uncertain significance (2). Last evaluated 2025-12-22.

Conditions:
Neuroblastoma, susceptibility to, 3. Also called: ALK-Related Neuroblastic Tumor Susceptibility. Identifiers: Orphanet 635, MedGen C2751681, MONDO:0013083, OMIM 613014.
Hereditary cancer-predisposing syndrome. Also called: Neoplastic Syndromes, Hereditary; Hereditary neoplastic syndrome; Tumor predisposition; Hereditary Cancer Syndrome. Identifiers: Orphanet 140162, MedGen C0027672, MeSH D009386, MONDO:0015356.

Allele frequency attached by ClinVar (database versions not stated): gnomAD exomes below 0.00001; TOPMed below 0.00001; gnomAD 0.00001.
gnomAD v4.1: 4 of 1,613,546 alleles (0.00025%); highest among the groups gnomAD compares: Non-Finnish European, 0.00025%; no homozygotes.

Submissions (2):

Labcorp Genetics (formerly Invitae), Labcorp
Classification: Uncertain significance for Neuroblastoma, susceptibility to, 3. Last evaluated: 2025-12-22. Review status: criteria provided, single submitter. Criteria: Invitae Variant Classification Sherloc (09022015). Collection method: clinical testing. Allele origin: germline.
Comment: This sequence change replaces phenylalanine, which is neutral and non-polar, with leucine, which is neutral and non-polar, at codon 168 of the ALK protein (p.Phe168Leu). This variant is present in population databases (no rsID available, gnomAD 0.0009%). This variant has not been reported in the literature in individuals affected with ALK-related conditions. ClinVar contains an entry for this variant (Variation ID: 662369). An algorithm developed to predict the effect of missense changes on protein structure and function (PolyPhen-2) suggests that this variant is likely to be disruptive. In summary, the available evidence is currently insufficient to determine the role of this variant in disease. Therefore, it has been classified as a Variant of Uncertain Significance.

Ambry Genetics
Classification: Uncertain significance for Hereditary cancer-predisposing syndrome. Last evaluated: 2025-11-26. Review status: criteria provided, single submitter. Criteria: Ambry Variant Classification Scheme 2023. Collection method: clinical testing. Allele origin: germline.
Comment: The p.F168L variant (also known as c.502T>C), located in coding exon 1 of the ALK gene, results from a T to C substitution at nucleotide position 502. The phenylalanine at codon 168 is replaced by leucine, an amino acid with highly similar properties. This amino acid position is conserved. In addition, the in silico prediction for this alteration is inconclusive. Since supporting evidence is limited at this time, the clinical significance of this alteration remains unclear.